The following is an entry in ClinVar:

NM_170606.3(KMT2C):c.278A>T (p.Asp93Val)

Gene: KMT2C (lysine methyltransferase 2C; minus strand). Cytogenetic location: 7q36.1.
Variant type: single nucleotide variant.
Coding change: c.278A>T on transcript NM_170606.3 (MANE Select); coding-DNA position 278, A replaced by T.
Protein change: p.Asp93Val; replaces aspartic acid 93 with valine.
Molecular consequence: missense variant.
Genome position (GRCh38, 1-based): chr7:152,330,712, T>A on the plus strand (A>T on the coding strand, the complement: KMT2C is on the minus strand). VCF-style: chr7-152330712-T-A. GRCh37 (hg19) VCF-style: chr7-152027797-T-A.
Other names: c.278A>T (NM_170606.2); short protein forms D93V.
Identifiers: ClinVar variation 2433197 (VCV002433197.6), dbSNP rs780491145, ClinGen allele CA370197506.

ClinVar aggregate classification (germline): Uncertain significance. Review status: criteria provided, multiple submitters, no conflicts (2 of 4 stars). 3 submissions from 3 submitters: Uncertain significance (3). Last evaluated 2025-01-09.

Conditions:
Kleefstra syndrome 2 (KLEFS2). Identifiers: MedGen C4540395, MONDO:0054701, OMIM 617768.
KMT2C-related disorder. Also called: KMT2C-related disorders; KMT2C-related condition.

gnomAD v4.1: 1 of 1,613,902 alleles (0.000062%); no homozygotes.

Submissions (3):

Dasa
Classification: Uncertain significance. Last evaluated: 2025-01-09. Review status: criteria provided, single submitter. Criteria: DASA Assertion Criteria. Collection method: clinical testing. Allele origin: germline.
Comment: NM_170606.3(KMT2C):c.278A>T (p.Asp93Val) is a missense variant that results in the substitution of aspartic acid with valine. This variant is rare in population databases. The currently available literature and clinical evidence are not sufficient to establish a definitive association between this variant and the reported condition. Therefore, this variant is classified as a variant of uncertain significance.

PreventionGenetics, part of Exact Sciences
Classification: Uncertain significance for KMT2C-related condition. Last evaluated: 2023-08-09. Review status: criteria provided, single submitter. Criteria: ACMG Guidelines, 2015. Collection method: clinical testing. Allele origin: germline.
Comment: The KMT2C c.278A>T variant is predicted to result in the amino acid substitution p.Asp93Val. To our knowledge, this variant has not been reported in the literature or in a large population database, indicating this variant is rare. At this time, the clinical significance of this variant is uncertain due to the absence of conclusive functional and genetic evidence.

Revvity Omics, Revvity
Classification: Uncertain significance for Kleefstra syndrome 2. Last evaluated: 2023-01-30. Review status: criteria provided, single submitter. Criteria: ACMG Guidelines, 2015. Collection method: clinical testing. Allele origin: germline.